The following is an entry in ClinVar:

ClinVar aggregate classification (germline): Conflicting classifications of pathogenicity. Review status: criteria provided, conflicting classifications (1 of 4 stars). 4 submissions from 4 submitters: Uncertain significance (2); Benign (1); Likely benign (1). Last evaluated 2025-09-22.

Conditions:
Birt-Hogg-Dube syndrome. Also called: Birt Hogg Dubé syndrome. Identifiers: Orphanet 122, MedGen C0346010, MONDO:0800444.
Hereditary cancer-predisposing syndrome. Also called: Neoplastic Syndromes, Hereditary; Hereditary neoplastic syndrome; Hereditary Cancer Syndrome; Tumor predisposition. Identifiers: Orphanet 140162, MedGen C0027672, MeSH D009386, MONDO:0015356.
Birt-Hogg-Dube syndrome 1 (BHD1). Also called: FIBROFOLLICULOMAS WITH TRICHODISCOMAS AND ACROCHORDONS. Identifiers: Orphanet 122, MedGen CN375946, MONDO:0800445, OMIM 135150.

Allele frequency attached by ClinVar (database versions not stated): ExAC 0.00001; gnomAD exomes below 0.00001.
gnomAD v4.1: 1 of 1,614,172 alleles (0.000062%); highest among the groups gnomAD compares: Non-Finnish European, 0.000085%; no homozygotes.

Submissions (4):

Labcorp Genetics (formerly Invitae), Labcorp
Classification: Likely benign for Birt-Hogg-Dube syndrome. Last evaluated: 2025-09-22. Review status: criteria provided, single submitter. Criteria: Invitae Variant Classification Sherloc (09022015). Collection method: clinical testing. Allele origin: germline.

Center for Genomic Medicine, Rigshospitalet, Copenhagen University Hospital
Classification: Uncertain significance. Last evaluated: 2025-03-04. Review status: criteria provided, single submitter. Criteria: ACMG Guidelines, 2015. Collection method: clinical testing. Allele origin: germline.

Myriad Genetics, Inc.
Classification: Benign for Birt-Hogg-Dube syndrome 1. Last evaluated: 2024-10-25. Review status: criteria provided, single submitter. Criteria: Myriad Autosomal Dominant, Autosomal Recessive and X-Linked Classification Criteria (2023). Collection method: clinical testing. Allele origin: unknown.
Comment: This variant is considered benign. This variant is a silent/synonymous amino acid change and it is not expected to impact splicing.

Ambry Genetics
Classification: Uncertain significance for Hereditary cancer-predisposing syndrome. Last evaluated: 2024-06-13. Review status: criteria provided, single submitter. Criteria: Ambry Variant Classification Scheme 2023. Collection method: clinical testing. Allele origin: germline.
Comment: The c.1404C>T variant (also known as p.T468T), located in coding exon 9 of the FLCN gene, results from a C to T substitution at nucleotide position 1404. This nucleotide substitution does not change the threonine at codon 468. This nucleotide position is well conserved in available vertebrate species. In silico splice site analysis predicts that this alteration may result in the creation or strengthening of a novel splice donor site. Based on the available evidence, the clinical significance of this variant remains unclear.

NM_144997.7(FLCN):c.1404C>T (p.Thr468=)

Gene: FLCN (folliculin; minus strand). Cytogenetic location: 17p11.2.
Variant type: single nucleotide variant.
Coding change: c.1404C>T on transcript NM_144997.7 (MANE Select); coding-DNA position 1404, C replaced by T.
Protein change: p.Thr468=; no amino-acid change (threonine 468 retained).
Molecular consequence: synonymous variant.
Genome position (GRCh38, 1-based): chr17:17,215,213, G>A on the plus strand (C>T on the coding strand, the complement: FLCN is on the minus strand). VCF-style: chr17-17215213-G-A. GRCh37 (hg19) VCF-style: chr17-17118527-G-A.
Other names: c.1458C>T, p.Thr486= (NM_001353229.2); c.1404C>T, p.Thr468= (NM_001353230.2, NM_001353231.2).
Identifiers: ClinVar variation 2163164 (VCV002163164.7), dbSNP rs777113065, ClinGen allele CA8416010.